The following is an entry in ClinVar:

NM_003151.4(STAT4):c.942-1G>C

Gene: STAT4 (signal transducer and activator of transcription 4; minus strand). Cytogenetic location: 2q32.2.
Variant type: single nucleotide variant.
Coding change: c.942-1G>C on transcript NM_003151.4 (MANE Select); the canonical splice acceptor site of the intron before coding-DNA position 942, G replaced by C.
Molecular consequence: splice acceptor variant.
Genome position (GRCh38, 1-based): chr2:191,061,822, C>G on the plus strand (G>C on the coding strand, the complement: STAT4 is on the minus strand). VCF-style: chr2-191061822-C-G. GRCh37 (hg19) VCF-style: chr2-191926548-C-G.
Other names: c.942-1G>C (NM_001243835.2).
Identifiers: ClinVar variation 3010310 (VCV003010310.3), dbSNP rs1696857780, ClinGen allele CA349915342.
Genomic context (GRCh38, chr2:191,061,822, plus strand): 5'-AGTACCAACGGCCTCTGAGGGTGGGTTGGCATACATGGCTGTCGCTCAACCACAAATGAG[C>G]TAGATGAAAAGGAAATAAAGCGCATCATTTGAAAACACTGAAAATATTGAGACTGAAAAC-3'

ClinVar aggregate classification (germline): Uncertain significance (1 of 4 stars; one submission).

Allele frequency attached by ClinVar (database versions not stated): TOPMed below 0.00001.

Submission:

Labcorp Genetics (formerly Invitae), Labcorp
Classification: Uncertain significance. Last evaluated: 2023-01-26. Review status: criteria provided, single submitter. Criteria: Invitae Variant Classification Sherloc (09022015). Collection method: clinical testing. Allele origin: germline.
Comment: In summary, the available evidence is currently insufficient to determine the role of this variant in disease. Therefore, it has been classified as a Variant of Uncertain Significance. Algorithms developed to predict the effect of sequence changes on RNA splicing suggest that this variant may disrupt the consensus splice site. This variant has not been reported in the literature in individuals affected with STAT4-related conditions. This variant is not present in population databases (gnomAD no frequency). This sequence change affects an acceptor splice site in intron 9 of the STAT4 gene. It is expected to disrupt RNA splicing. Variants that disrupt the donor or acceptor splice site typically lead to a loss of protein function (PMID: 16199547), however the current clinical and genetic evidence is not sufficient to establish whether loss-of-function variants in STAT4 cause disease.

Literature cited by the submitters: PubMed 16199547.